The following is an entry in ClinVar:

NM_206933.4(USH2A):c.14018A>G (p.Tyr4673Cys)

Gene: USH2A (usherin; minus strand). Cytogenetic location: 1q41.
Variant type: single nucleotide variant.
Coding change: c.14018A>G on transcript NM_206933.4 (MANE Select); coding-DNA position 14018, A replaced by G.
Protein change: p.Tyr4673Cys; replaces tyrosine 4673 with cysteine.
Molecular consequence: missense variant.
Genome position (GRCh38, 1-based): chr1:215,671,087, T>C on the plus strand (A>G on the coding strand, the complement: USH2A is on the minus strand). VCF-style: chr1-215671087-T-C. GRCh37 (hg19) VCF-style: chr1-215844429-T-C.
Other names: short protein forms Y4673C.
Identifiers: ClinVar variation 1967244 (VCV001967244.5), dbSNP rs1657799790, ClinGen allele CA344840619.

ClinVar aggregate classification (germline): Uncertain significance (1 of 4 stars; one submission).

Allele frequency attached by ClinVar (database versions not stated): gnomAD exomes below 0.00001; TOPMed 0.00001.
gnomAD v4.1: 2 of 1,614,156 alleles (0.00012%); highest among the groups gnomAD compares: Admixed American, 0.0017%; no homozygotes.

Submission:

Labcorp Genetics (formerly Invitae), Labcorp
Classification: Uncertain significance. Last evaluated: 2025-07-22. Review status: criteria provided, single submitter. Criteria: Invitae Variant Classification Sherloc (09022015). Collection method: clinical testing. Allele origin: germline.
Comment: This sequence change replaces tyrosine, which is neutral and polar, with cysteine, which is neutral and slightly polar, at codon 4673 of the USH2A protein (p.Tyr4673Cys). This variant is not present in population databases (gnomAD no frequency). This variant has not been reported in the literature in individuals affected with USH2A-related conditions. ClinVar contains an entry for this variant (Variation ID: 1967244). Invitae Evidence Modeling of protein sequence and biophysical properties (such as structural, functional, and spatial information, amino acid conservation, physicochemical variation, residue mobility, and thermodynamic stability) has been performed for this missense variant. However, the output from this modeling did not meet the statistical confidence thresholds required to predict the impact of this variant on USH2A protein function. In summary, the available evidence is currently insufficient to determine the role of this variant in disease. Therefore, it has been classified as a Variant of Uncertain Significance.